The following is an entry in ClinVar:

NM_000052.7(ATP7A):c.2433G>C (p.Lys811Asn)

Gene: ATP7A (ATPase copper transporting alpha; plus strand). Cytogenetic location: Xq21.1.
Variant type: single nucleotide variant.
Coding change: c.2433G>C on transcript NM_000052.7 (MANE Select); coding-DNA position 2433, G replaced by C.
Protein change: p.Lys811Asn; replaces lysine 811 with asparagine.
Molecular consequence: missense variant.
Genome position (GRCh38, 1-based): chrX:78,014,688, G>C. VCF-style: chrX-78014688-G-C. GRCh37 (hg19) VCF-style: chrX-77270185-G-C.
Other names: c.2199G>C, p.Lys733Asn (NM_001282224.2); short protein forms K811N, K733N.
Identifiers: ClinVar variation 4789410 (VCV004789410.1).

ClinVar aggregate classification (germline): Uncertain significance (1 of 4 stars; one submission).

Conditions:
Menkes kinky-hair syndrome (MNK). Also called: Menkes Disease; Copper transport disease; Classic Menkes Disease. Identifiers: Orphanet 565, MedGen C0022716, MONDO:0010651, OMIM 309400.
Cutis laxa, X-linked (OHS). Also called: EDS IX; Occipital horn syndrome. Identifiers: Orphanet 198, MedGen C0268353, MONDO:0010572, OMIM 304150.
X-linked distal spinal muscular atrophy type 3. Also called: ATP7A-Related Distal Motor Neuropathy; SPINAL MUSCULAR ATROPHY, DISTAL, X-LINKED RECESSIVE; NEURONOPATHY, DISTAL HEREDITARY MOTOR, X-LINKED; NEUROPATHY, DISTAL HEREDITARY MOTOR, X-LINKED. Identifiers: Orphanet 139557, MedGen C1845359, MONDO:0010338, OMIM 300489.

gnomAD v4.1: 1 of 1,209,267 alleles (0.000083%); highest among the groups gnomAD compares: Non-Finnish European, 0.00011%; no homozygotes.

Submission:

Labcorp Genetics (formerly Invitae), Labcorp
Classification: Uncertain significance for X-linked distal spinal muscular atrophy type 3; Cutis laxa, X-linked; Menkes kinky-hair syndrome. Last evaluated: 2025-05-27. Review status: criteria provided, single submitter. Criteria: Invitae Variant Classification Sherloc (09022015). Collection method: clinical testing. Allele origin: germline.
Comment: This sequence change replaces lysine, which is basic and polar, with asparagine, which is neutral and polar, at codon 811 of the ATP7A protein (p.Lys811Asn). This variant is not present in population databases (gnomAD no frequency). This variant has not been reported in the literature in individuals affected with ATP7A-related conditions. Invitae Evidence Modeling of protein sequence and biophysical properties (such as structural, functional, and spatial information, amino acid conservation, physicochemical variation, residue mobility, and thermodynamic stability) indicates that this missense variant is not expected to disrupt ATP7A protein function with a negative predictive value of 95%. In summary, the available evidence is currently insufficient to determine the role of this variant in disease. Therefore, it has been classified as a Variant of Uncertain Significance.